The following is an entry in ClinVar:

ClinVar aggregate classification (germline): Uncertain significance (1 of 4 stars; one submission).

Allele frequency attached by ClinVar (database versions not stated): gnomAD exomes below 0.00001; ExAC 0.00002; gnomAD 0.00002; TOPMed 0.00004; ESP Exome Variant Server 0.00008.
gnomAD v4.1: 6 of 1,613,702 alleles (0.00037%); highest among the groups gnomAD compares: African/African-American, 0.008%; no homozygotes.

Submission:

Labcorp Genetics (formerly Invitae), Labcorp
Classification: Uncertain significance. Last evaluated: 2022-08-21. Review status: criteria provided, single submitter. Criteria: Invitae Variant Classification Sherloc (09022015). Collection method: clinical testing. Allele origin: germline.
Comment: In summary, the available evidence is currently insufficient to determine the role of this variant in disease. Therefore, it has been classified as a Variant of Uncertain Significance. Algorithms developed to predict the effect of missense changes on protein structure and function are either unavailable or do not agree on the potential impact of this missense change (SIFT: "Not Available"; PolyPhen-2: "Probably Damaging"; Align-GVGD: "Not Available"). This variant has not been reported in the literature in individuals affected with PDGFB-related conditions. This variant is present in population databases (rs139174743, gnomAD 0.007%). This sequence change replaces tyrosine, which is neutral and polar, with histidine, which is basic and polar, at codon 30 of the PDGFB protein (p.Tyr30His).

NM_002608.4(PDGFB):c.88T>C (p.Tyr30His)

Gene: PDGFB (platelet derived growth factor subunit B; minus strand). Cytogenetic location: 22q13.1.
Variant type: single nucleotide variant.
Coding change: c.88T>C on transcript NM_002608.4 (MANE Select); coding-DNA position 88, T replaced by C.
Protein change: p.Tyr30His; replaces tyrosine 30 with histidine.
Molecular consequence: missense variant.
Genome position (GRCh38, 1-based): chr22:39,235,850, A>G on the plus strand (T>C on the coding strand, the complement: PDGFB is on the minus strand). VCF-style: chr22-39235850-A-G. GRCh37 (hg19) VCF-style: chr22-39631855-A-G.
Other names: c.43T>C, p.Tyr15His (NM_033016.3); short protein forms Y15H, Y30H.
Identifiers: ClinVar variation 1987815 (VCV001987815.4), dbSNP rs139174743, ClinGen allele CA10240257.
Genomic context (GRCh38, chr22:39,235,850, plus strand): 5'-CGTGCAGCAGGCGTTGGAGATCATCAAAGGAGCGGATCGAGTGGTCACTCAGCATCTCAT[A>G]AAGCTCCTCGGGAATGGGGTCCCCCTGCCGGGCAGACACCAAAAGGCTGAGTGAGCTGGG-3'
Protein context (NP_002599.1, residues 20-40): AEGDPIPEEL[Tyr30His]EMLSDHSIRS